The following is an entry in ClinVar:

NM_000138.5(FBN1):c.6332G>T (p.Cys2111Phe)

Gene: FBN1 (fibrillin 1; minus strand). Cytogenetic location: 15q21.1.
Variant type: single nucleotide variant.
Coding change: c.6332G>T on transcript NM_000138.5 (MANE Select); coding-DNA position 6332, G replaced by T.
Protein change: p.Cys2111Phe; replaces cysteine 2111 with phenylalanine.
Molecular consequence: missense variant.
Genome position (GRCh38, 1-based): chr15:48,437,369, C>A on the plus strand (G>T on the coding strand, the complement: FBN1 is on the minus strand). VCF-style: chr15-48437369-C-A. GRCh37 (hg19) VCF-style: chr15-48729566-C-A.
Other names: c.6332G>T, p.Cys2111Phe (NM_001406716.1); short protein forms C2111F.
Identifiers: ClinVar variation 3600249 (VCV003600249.1).

ClinVar aggregate classification (germline): Pathogenic (0 of 4 stars; one submission).

Conditions:
Marfan syndrome (MFS). Also called: MARFAN SYNDROME, TYPE I; Marfan syndrome type 1; Marfan's syndrome; FBN1-Related Marfan Syndrome; Marfan syndrome, classic. Identifiers: Orphanet 284963, Orphanet 558, MedGen C0024796, MONDO:0007947, OMIM 154700.

Submission:

Department of Laboratory Medicine and Genetics, Samsung Medical Center
Classification: Pathogenic for Marfan syndrome. Last evaluated: 2025-01-02. Review status: no assertion criteria provided. Collection method: clinical testing. Allele origin: germline. Affected: yes.
Comment: The NM_000138.5:c.6332G>T is considered to be rare in the general population database (gnomAD v2.1.1). This variant is predicted to be deleterious by in-silico analysis (REVEL). This variant is located in functional domains and a different missense variant at the same residue is determined to be pathogenic (c.6331T>C, p.Cys2111Arg and c.6332G>A, p.Cys2111Tyr). According to the ClinGen guidance for PP1/BS4 and PP4 criteria (PMID: 38103548), PP4 with weighted strength was applied. In summary, this variant was classified as a pathogenic variant for Marfan syndrome (PM1, PM5, PP2, PP3, PP4 with weighted strength, PM2_P).

Literature cited by the submitters: PubMed 37558401.